The following is an entry in ClinVar:

NM_006231.4(POLE):c.5691G>C (p.Lys1897Asn)

Gene: POLE (DNA polymerase epsilon, catalytic subunit; minus strand). Cytogenetic location: 12q24.33.
Variant type: single nucleotide variant.
Coding change: c.5691G>C on transcript NM_006231.4 (MANE Select); coding-DNA position 5691, G replaced by C.
Protein change: p.Lys1897Asn; replaces lysine 1897 with asparagine.
Molecular consequence: missense variant.
Genome position (GRCh38, 1-based): chr12:132,636,012, C>G on the plus strand (G>C on the coding strand, the complement: POLE is on the minus strand). VCF-style: chr12-132636012-C-G. GRCh37 (hg19) VCF-style: chr12-133212598-C-G.
Other names: c.5691G>C (NM_006231.2); short protein forms K1897N.
Identifiers: ClinVar variation 651502 (VCV000651502.7), dbSNP rs944517039, ClinGen allele CA246297096.

ClinVar aggregate classification (germline): Conflicting classifications of pathogenicity. Review status: criteria provided, conflicting classifications (1 of 4 stars). 2 submissions from 2 submitters: Uncertain significance (1); Likely benign (1). Last evaluated 2026-02-27.

Conditions:
Hereditary cancer-predisposing syndrome. Also called: Neoplastic Syndromes, Hereditary; Hereditary neoplastic syndrome; Tumor predisposition; Hereditary Cancer Syndrome. Identifiers: Orphanet 140162, MedGen C0027672, MeSH D009386, MONDO:0015356.

Allele frequency attached by ClinVar (database versions not stated): TOPMed below 0.00001.

Submissions (2):

Ambry Genetics
Classification: Likely benign for Hereditary cancer-predisposing syndrome. Last evaluated: 2026-02-27. Review status: criteria provided, single submitter. Criteria: Ambry Variant Classification Scheme 2023. Collection method: clinical testing. Allele origin: germline.

Labcorp Genetics (formerly Invitae), Labcorp
Classification: Uncertain significance. Last evaluated: 2022-07-19. Review status: criteria provided, single submitter. Criteria: Invitae Variant Classification Sherloc (09022015). Collection method: clinical testing. Allele origin: germline.
Comment: This sequence change replaces lysine, which is basic and polar, with asparagine, which is neutral and polar, at codon 1897 of the POLE protein (p.Lys1897Asn). In summary, the available evidence is currently insufficient to determine the role of this variant in disease. Therefore, it has been classified as a Variant of Uncertain Significance. Algorithms developed to predict the effect of missense changes on protein structure and function (SIFT, PolyPhen-2, Align-GVGD) all suggest that this variant is likely to be tolerated. ClinVar contains an entry for this variant (Variation ID: 651502). This variant has not been reported in the literature in individuals affected with POLE-related conditions. This variant is not present in population databases (gnomAD no frequency).